The following is an entry in ClinVar:

ClinVar aggregate classification (germline): Uncertain significance. Review status: criteria provided, multiple submitters, no conflicts (2 of 4 stars). 2 submissions from 2 submitters: Uncertain significance (2). Last evaluated 2025-05-19.

Conditions:
Inborn genetic diseases. Identifiers: MedGen C0950123, MeSH D030342.

Submissions (2):

Ambry Genetics
Classification: Uncertain significance for Inborn genetic diseases. Last evaluated: 2025-05-19. Review status: criteria provided, single submitter. Criteria: Ambry Variant Classification Scheme 2023. Collection method: clinical testing. Allele origin: germline.

Labcorp Genetics (formerly Invitae), Labcorp
Classification: Uncertain significance. Last evaluated: 2021-08-11. Review status: criteria provided, single submitter. Criteria: Invitae Variant Classification Sherloc (09022015). Collection method: clinical testing. Allele origin: germline.
Comment: In summary, the available evidence is currently insufficient to determine the role of this variant in disease. Therefore, it has been classified as a Variant of Uncertain Significance. Algorithms developed to predict the effect of missense changes on protein structure and function are either unavailable or do not agree on the potential impact of this missense change (SIFT: "Tolerated"; PolyPhen-2: "Possibly Damaging"; Align-GVGD: "Class C0"). This variant has not been reported in the literature in individuals affected with SLC38A8-related conditions. This variant is not present in population databases (ExAC no frequency). This sequence change replaces valine with leucine at codon 307 of the SLC38A8 protein (p.Val307Leu). The valine residue is moderately conserved and there is a small physicochemical difference between valine and leucine.

NM_001080442.3(SLC38A8):c.919G>C (p.Val307Leu)

Gene: SLC38A8 (solute carrier family 38 member 8; minus strand). Cytogenetic location: 16q23.3.
Variant type: single nucleotide variant.
Coding change: c.919G>C on transcript NM_001080442.3 (MANE Select); coding-DNA position 919, G replaced by C.
Protein change: p.Val307Leu; replaces valine 307 with leucine.
Molecular consequence: missense variant.
Genome position (GRCh38, 1-based): chr16:84,017,174, C>G on the plus strand (G>C on the coding strand, the complement: SLC38A8 is on the minus strand). VCF-style: chr16-84017174-C-G. GRCh37 (hg19) VCF-style: chr16-84050779-C-G.
Other names: c.919G>C (NM_001080442.1); short protein forms V307L.
Identifiers: ClinVar variation 1345211 (VCV001345211.7), dbSNP rs200651717, ClinGen allele CA285445017.